The following is an entry in ClinVar:

NM_001378454.1(ALMS1):c.7817C>A (p.Ser2606Tyr)

Gene: ALMS1 (ALMS1 centrosome and basal body associated protein; plus strand). Cytogenetic location: 2p13.1.
Variant type: single nucleotide variant.
Coding change: c.7817C>A on transcript NM_001378454.1 (MANE Select); coding-DNA position 7817, C replaced by A.
Protein change: p.Ser2606Tyr; replaces serine 2606 with tyrosine.
Molecular consequence: missense variant.
Genome position (GRCh38, 1-based): chr2:73,489,776, C>A. VCF-style: chr2-73489776-C-A. GRCh37 (hg19) VCF-style: chr2-73716903-C-A.
Other names: c.7820C>A, p.Ser2607Tyr (NM_015120.4); short protein forms S2607Y, S2606Y.
Identifiers: ClinVar variation 4042468 (VCV004042468.1).

ClinVar aggregate classification (germline): Uncertain significance (1 of 4 stars; one submission).

Conditions:
Cardiovascular phenotype. Identifiers: MedGen CN230736.

gnomAD v4.1: 5 of 1,614,052 alleles (0.00031%); highest among the groups gnomAD compares: Non-Finnish European, 0.00042%; no homozygotes.

Submission:

Ambry Genetics
Classification: Uncertain significance for Cardiovascular phenotype. Last evaluated: 2025-04-02. Review status: criteria provided, single submitter. Criteria: Ambry Variant Classification Scheme 2023. Collection method: clinical testing. Allele origin: germline.
Comment: The p.S2607Y variant (also known as c.7820C>A), located in coding exon 10 of the ALMS1 gene, results from a C to A substitution at nucleotide position 7820. The serine at codon 2607 is replaced by tyrosine, an amino acid with dissimilar properties. This amino acid position is well conserved in available vertebrate species. In addition, this alteration is predicted to be tolerated by in silico analysis. Based on the available evidence, the clinical significance of this variant remains unclear.